The following is an entry in ClinVar:

NM_012079.6(DGAT1):c.574G>A (p.Val192Met)

Gene: DGAT1 (diacylglycerol O-acyltransferase 1; minus strand). Cytogenetic location: 8q24.3.
Variant type: single nucleotide variant.
Coding change: c.574G>A on transcript NM_012079.6 (MANE Select); coding-DNA position 574, G replaced by A.
Protein change: p.Val192Met; replaces valine 192 with methionine.
Molecular consequence: missense variant.
Genome position (GRCh38, 1-based): chr8:144,318,461, C>T on the plus strand (G>A on the coding strand, the complement: DGAT1 is on the minus strand). VCF-style: chr8-144318461-C-T. GRCh37 (hg19) VCF-style: chr8-145542124-C-T.
Other names: short protein forms V192M.
Identifiers: ClinVar variation 1499167 (VCV001499167.8), dbSNP rs994314695, ClinGen allele CA187667056.

ClinVar aggregate classification (germline): Uncertain significance (1 of 4 stars; one submission).

Allele frequency attached by ClinVar (database versions not stated): gnomAD exomes below 0.00001.
gnomAD v4.1: 1 of 1,610,946 alleles (0.000062%); highest among the groups gnomAD compares: Non-Finnish European, 0.000085%; no homozygotes.

Submission:

Labcorp Genetics (formerly Invitae), Labcorp
Classification: Uncertain significance. Last evaluated: 2024-11-05. Review status: criteria provided, single submitter. Criteria: Invitae Variant Classification Sherloc (09022015). Collection method: clinical testing. Allele origin: germline.
Comment: This sequence change replaces valine, which is neutral and non-polar, with methionine, which is neutral and non-polar, at codon 192 of the DGAT1 protein (p.Val192Met). This variant also falls at the last nucleotide of exon 6, which is part of the consensus splice site for this exon. This variant is not present in population databases (gnomAD no frequency). This variant has not been reported in the literature in individuals affected with DGAT1-related conditions. ClinVar contains an entry for this variant (Variation ID: 1499167). An algorithm developed to predict the effect of missense changes on protein structure and function (PolyPhen-2) suggests that this variant is likely to be tolerated. Variants that disrupt the consensus splice site are a relatively common cause of aberrant splicing (PMID: 17576681, 9536098). Algorithms developed to predict the effect of sequence changes on RNA splicing suggest that this variant may disrupt the consensus splice site. In summary, the available evidence is currently insufficient to determine the role of this variant in disease. Therefore, it has been classified as a Variant of Uncertain Significance.

Literature cited by the submitters: PubMed 17576681; PubMed 9536098.